The following is an entry in ClinVar:

ClinVar aggregate classification (germline): Uncertain significance (1 of 4 stars; one submission).

Conditions:
Isovaleryl-CoA dehydrogenase deficiency (IVA). Also called: ISOVALERIC ACID CoA DEHYDROGENASE DEFICIENCY; Isovaleric acidemia; IVD DEFICIENCY; Classic Isovaleric Acidemia. Identifiers: Orphanet 33, MedGen C0268575, MONDO:0009475, OMIM 243500.

Submission:

Labcorp Genetics (formerly Invitae), Labcorp
Classification: Uncertain significance for Isovaleryl-CoA dehydrogenase deficiency. Last evaluated: 2021-04-23. Review status: criteria provided, single submitter. Criteria: Invitae Variant Classification Sherloc (09022015). Collection method: clinical testing. Allele origin: germline.
Comment: This sequence change replaces isoleucine with methionine at codon 417 of the IVD protein (p.Ile417Met). The isoleucine residue is highly conserved and there is a small physicochemical difference between isoleucine and methionine. This variant is not present in population databases (ExAC no frequency). This variant has not been reported in the literature in individuals with IVD-related disease. Algorithms developed to predict the effect of missense changes on protein structure and function do not agree on the potential impact of this missense change (SIFT: "Deleterious"; PolyPhen-2: "Possibly Damaging"; Align-GVGD: "Class C0"). In summary, the available evidence is currently insufficient to determine the role of this variant in disease. Therefore, it has been classified as a Variant of Uncertain Significance.

NM_002225.5(IVD):c.1242C>G (p.Ile414Met)

Gene: IVD (isovaleryl-CoA dehydrogenase; plus strand). Cytogenetic location: 15q15.1.
Variant type: single nucleotide variant.
Coding change: c.1242C>G on transcript NM_002225.5 (MANE Select); coding-DNA position 1242, C replaced by G.
Protein change: p.Ile414Met; replaces isoleucine 414 with methionine.
Molecular consequence: missense variant. On other transcripts: intron variant (3).
Genome position (GRCh38, 1-based): chr15:40,418,233, C>G. VCF-style: chr15-40418233-C-G. GRCh37 (hg19) VCF-style: chr15-40710432-C-G.
Other names: c.1152C>G, p.Ile384Met (NM_001159508.3); c.1194C>G, p.Ile398Met (NM_001354597.3); c.1329C>G, p.Ile443Met (NM_001354599.3); c.1225+1871C>G (NM_001354600.3); c.1138+1871C>G (NM_001354598.3, NM_001354601.3); short protein forms I384M, I443M, I398M, I414M.
Identifiers: ClinVar variation 2076288 (VCV002076288.1), dbSNP rs756694379, ClinGen allele CA391724708.
Genomic context (GRCh38, chr15:40,418,233, plus strand): 5'-TCGAGATGCCAAGCTGTATGAGATAGGGGCTGGGACCAGCGAGGTGAGGCGGCTGGTCAT[C>G]GGCAGAGCCTTCAATGCAGACTTTCACTAGTCCTGAGACCCTTCGCCCCCTTTTCCTGCA-3'
Protein context (NP_002216.3, residues 404-423): AGTSEVRRLV[Ile414Met]GRAFNADFH